The following is an entry in ClinVar:

ClinVar aggregate classification (germline): Benign/Likely benign. Review status: criteria provided, multiple submitters, no conflicts (2 of 4 stars). 3 submissions from 3 submitters: Benign (1); Likely benign (2). Last evaluated 2026-04-23.

Conditions:
Colorectal cancer, susceptibility to, 1. Also called: COLORECTAL ADENOMA AND CANCER, SUSCEPTIBILITY TO; COLORECTAL CANCER, SUSCEPTIBILITY TO, ON CHROMOSOME 9. Identifiers: MedGen C1837315, MONDO:0012132, OMIM 608812.

gnomAD v4.1: 1 of 1,575,260 alleles (0.000063%); highest among the groups gnomAD compares: African/African-American, 0.0013%; no homozygotes.

Submissions (3):

Myriad Genetics, Inc.
Classification: Benign for Colorectal cancer, susceptibility to, 1. Last evaluated: 2026-04-23. Review status: criteria provided, single submitter. Criteria: Myriad Autosomal Dominant, Autosomal Recessive and X-Linked Classification Criteria (2023). Collection method: clinical testing. Allele origin: unknown.
Comment: This variant is considered benign. This variant is a silent/synonymous amino acid change and it is not expected to impact splicing.

Labcorp Genetics (formerly Invitae), Labcorp
Classification: Likely benign. Last evaluated: 2025-01-23. Review status: criteria provided, single submitter. Criteria: Invitae Variant Classification Sherloc (09022015). Collection method: clinical testing. Allele origin: germline.

Ambry Genetics
Classification: Likely benign. Last evaluated: 2019-11-01. Review status: criteria provided, single submitter. Criteria: Ambry Variant Classification Scheme 2023. Collection method: clinical testing. Allele origin: germline.

NM_024642.5(GALNT12):c.369G>A (p.Pro123=)

Gene: GALNT12 (polypeptide N-acetylgalactosaminyltransferase 12; plus strand). Cytogenetic location: 9q22.33.
Variant type: single nucleotide variant.
Coding change: c.369G>A on transcript NM_024642.5 (MANE Select); coding-DNA position 369, G replaced by A.
Protein change: p.Pro123=; no amino-acid change (proline 123 retained).
Molecular consequence: synonymous variant.
Genome position (GRCh38, 1-based): chr9:98,808,067, G>A. VCF-style: chr9-98808067-G-A. GRCh37 (hg19) VCF-style: chr9-101570349-G-A.
Identifiers: ClinVar variation 824091 (VCV000824091.13), dbSNP rs1296776010, ClinGen allele CA466647752.